The following is an entry in ClinVar:

NM_006424.3(SLC34A2):c.361G>A (p.Ala121Thr)

Gene: SLC34A2 (solute carrier family 34 member 2; plus strand). Cytogenetic location: 4p15.2.
Variant type: single nucleotide variant.
Coding change: c.361G>A on transcript NM_006424.3 (MANE Select); coding-DNA position 361, G replaced by A.
Protein change: p.Ala121Thr; replaces alanine 121 with threonine.
Molecular consequence: missense variant.
Genome position (GRCh38, 1-based): chr4:25,664,312, G>A. VCF-style: chr4-25664312-G-A. GRCh37 (hg19) VCF-style: chr4-25665934-G-A.
Other names: c.358G>A, p.Ala120Thr (NM_001177998.2, NM_001177999.2); c.361G>A (NM_006424.2); short protein forms A120T, A121T.
Identifiers: ClinVar variation 1443914 (VCV001443914.6), dbSNP rs565847214, ClinGen allele CA2879422.

ClinVar aggregate classification (germline): Uncertain significance. Review status: criteria provided, multiple submitters, no conflicts (2 of 4 stars). 2 submissions from 2 submitters: Uncertain significance (2). Last evaluated 2023-07-07.

Conditions:
Inborn genetic diseases. Identifiers: MedGen C0950123, MeSH D030342.

Allele frequency attached by ClinVar (database versions not stated): gnomAD exomes 0.00001; ExAC 0.00002; gnomAD 0.00003 and 0.00004; TOPMed 0.00003; 1000 Genomes Project 30x 0.00016; 1000 Genomes Project 0.00020.
gnomAD v4.1: 20 of 1,613,992 alleles (0.0012%); highest among the groups gnomAD compares: Middle Eastern, 0.017%; no homozygotes.

Submissions (2):

Labcorp Genetics (formerly Invitae), Labcorp
Classification: Uncertain significance. Last evaluated: 2023-07-07. Review status: criteria provided, single submitter. Criteria: Invitae Variant Classification Sherloc (09022015). Collection method: clinical testing. Allele origin: germline.
Comment: In summary, the available evidence is currently insufficient to determine the role of this variant in disease. Therefore, it has been classified as a Variant of Uncertain Significance. Advanced modeling of protein sequence and biophysical properties (such as structural, functional, and spatial information, amino acid conservation, physicochemical variation, residue mobility, and thermodynamic stability) performed at Invitae indicates that this missense variant is expected to disrupt SLC34A2 protein function. ClinVar contains an entry for this variant (Variation ID: 1443914). This variant has not been reported in the literature in individuals affected with SLC34A2-related conditions. This variant is present in population databases (rs565847214, gnomAD 0.02%). This sequence change replaces alanine, which is neutral and non-polar, with threonine, which is neutral and polar, at codon 121 of the SLC34A2 protein (p.Ala121Thr).

Ambry Genetics
Classification: Uncertain significance for Inborn genetic diseases. Last evaluated: 2022-07-22. Review status: criteria provided, single submitter. Criteria: Ambry Variant Classification Scheme 2023. Collection method: clinical testing. Allele origin: germline.